The following is an entry in ClinVar:

NM_000094.4(COL7A1):c.426G>T (p.Lys142Asn)

Gene: COL7A1 (collagen type VII alpha 1 chain; minus strand). Cytogenetic location: 3p21.31.
Variant type: single nucleotide variant.
Coding change: c.426G>T on transcript NM_000094.4 (MANE Select); coding-DNA position 426, G replaced by T.
Protein change: p.Lys142Asn; replaces lysine 142 with asparagine.
Molecular consequence: missense variant.
Genome position (GRCh38, 1-based): chr3:48,593,537, C>A on the plus strand (G>T on the coding strand, the complement: COL7A1 is on the minus strand). VCF-style: chr3-48593537-C-A. GRCh37 (hg19) VCF-style: chr3-48630970-C-A.
Other names: short protein forms K142N.
Identifiers: ClinVar variation 4532278 (VCV004532278.1).

ClinVar aggregate classification (germline): Pathogenic (1 of 4 stars; one submission).

Conditions:
Epidermolysis bullosa simplex 1A, generalized severe (EBS1A). Also called: Epidermolysis bullosa simplex Dowling-Meara type. Identifiers: Orphanet 79396, MedGen C0079295, MONDO:0007550, OMIM 131760.

Submission:

Centro de Genética y Biología Molecular, Universidad de San Martín de Porres
Classification: Pathogenic for Epidermolysis bullosa simplex 1A, generalized severe. Last evaluated: 2020-01-20. Review status: criteria provided, single submitter. Criteria: ACMG Guidelines, 2015. Collection method: research. Allele origin: biparental. Inheritance: Autosomal recessive inheritance. Affected: yes. Observed: 1 homozygote.
Comment: Variant is located in non collagenous domain 1. and the change from Lysine (basic) to is Asn (neutral) is placed in a high degree of conservation part of the protein, where it is likely to be destabilising. No snp reported previously

Literature cited by the submitters: DOI 10.1046/j.1525-1470.2003.20312.x..